The following is an entry in ClinVar:

NM_015215.4(CAMTA1):c.1265T>A (p.Leu422His)

Gene: CAMTA1 (calmodulin binding transcription activator 1; plus strand). Cytogenetic location: 1p36.23.
Variant type: single nucleotide variant.
Coding change: c.1265T>A on transcript NM_015215.4 (MANE Select); coding-DNA position 1265, T replaced by A.
Protein change: p.Leu422His; replaces leucine 422 with histidine.
Molecular consequence: missense variant.
Genome position (GRCh38, 1-based): chr1:7,663,812, T>A. VCF-style: chr1-7663812-T-A. GRCh37 (hg19) VCF-style: chr1-7723872-T-A.
Other names: c.1175T>A, p.Leu392His (NM_001349608.2, NM_001349612.2); c.1265T>A, p.Leu422His (NM_001349609.2, NM_001349610.2, NM_001410737.1); c.1193T>A, p.Leu398His (NM_001410738.1); short protein forms L392H, L398H, L422H.
Identifiers: ClinVar variation 4975815 (VCV004975815.1).

ClinVar aggregate classification (germline): Uncertain significance (1 of 4 stars; one submission).

Submission:

GeneDx
Classification: Uncertain significance. Last evaluated: 2026-01-28. Review status: criteria provided, single submitter. Criteria: GeneDx Variant Classification Process June 2021. Collection method: clinical testing. Allele origin: germline.
Comment: Not observed at significant frequency in large population cohorts (gnomAD); In silico analysis suggests that this missense variant does not alter protein structure/function; Has not been previously published as pathogenic or benign to our knowledge